The following is an entry in ClinVar:

NM_007294.4(BRCA1):c.5467+21T>G

Gene: BRCA1 (BRCA1 DNA repair associated; minus strand). Cytogenetic location: 17q21.31.
Variant type: single nucleotide variant.
Coding change: c.5467+21T>G on transcript NM_007294.4 (MANE Select); 21 bases into the intron after coding-DNA position 5467, T replaced by G.
Molecular consequence: intron variant.
Genome position (GRCh38, 1-based): chr17:43,047,622, A>C on the plus strand (T>G on the coding strand, the complement: BRCA1 is on the minus strand). VCF-style: chr17-43047622-A-C. GRCh37 (hg19) VCF-style: chr17-41199639-A-C.
Other names: c.2014+21T>G (NM_001408458.1, NM_001408461.1, NM_001408464.1 and 7 more transcripts); c.4576+21T>G (NM_001407967.1); c.5086+21T>G (NM_001407959.1); c.5200+21T>G (NM_001407931.1, NM_001407932.1, NM_001407928.1 and 4 more transcripts); c.5323+21T>G (NM_001407747.1, NM_001407745.1, NM_001407737.1 and 18 more transcripts); c.5083+21T>G (NM_001407962.1, NM_001407960.1); c.1654+21T>G (NM_001408512.1); c.1777+21T>G (NM_001408510.1); and 83 more.
Identifiers: ClinVar variation 868945 (VCV000868945.3), dbSNP rs2050971311, ClinGen allele CA916080730.
Genomic context (GRCh38, chr17:43,047,622, plus strand): 5'-ACTCAAGCACCAGGTAATGAGTGATAAACCAAACCCATGCAAAAGGACCCCATATAGCAC[A>C]GGTACATGCAGGCACCTTACCATGGAAGCCATTGTCCTCTGTCCAGGCATCTGGCTGCAC-3'

Conditions:
Breast-ovarian cancer, familial, susceptibility to, 1 (BROVCA1). Also called: BRCA1 Hereditary Breast and Ovarian Cancer; OVARIAN CANCER, SUSCEPTIBILITY TO. Identifiers: Orphanet 145, MedGen C2676676, MONDO:0011450, OMIM 604370. Disease mechanism: loss of function.

Submission:

Brotman Baty Institute, University of Washington
No classification provided (evidence only). Condition: Breast-ovarian cancer, familial 1. Review status: no classification provided. Collection method: in vitro. Allele origin: not applicable. Functional consequence: functionally_normal.
ClinVar note: "not provided" was previously submitted as the classification for the variant. However, the classification appeared to be based only on an observation of functional data so it was converted to no classification on 2025-07-30.